The following is an entry in ClinVar:

NM_001012426.2(FOXP4):c.300+1G>T

Gene: FOXP4 (forkhead box P4; plus strand). Cytogenetic location: 6p21.1.
Variant type: single nucleotide variant.
Coding change: c.300+1G>T on transcript NM_001012426.2 (MANE Select); the canonical splice donor site of the intron after coding-DNA position 300, G replaced by T.
Molecular consequence: splice donor variant. On other transcripts: intron variant (2).
Genome position (GRCh38, 1-based): chr6:41,578,082, G>T. VCF-style: chr6-41578082-G-T. GRCh37 (hg19) VCF-style: chr6-41545820-G-T.
Other names: c.300+1G>T (NM_001405824.1, NM_138457.3, NM_001012427.2); c.205-6687G>T (NM_001405825.1, NM_001405826.1).
Identifiers: ClinVar variation 3896079 (VCV003896079.1).

ClinVar aggregate classification (germline): Uncertain significance (1 of 4 stars; one submission).

gnomAD v4.1: 1 of 1,613,016 alleles (0.000062%); highest among the groups gnomAD compares: South Asian, 0.0011%; no homozygotes.

Submission:

Women's Health and Genetics/Laboratory Corporation of America, LabCorp
Classification: Uncertain significance. Last evaluated: 2025-03-19. Review status: criteria provided, single submitter. Criteria: LabCorp Variant Classification Summary - May 2015. Collection method: clinical testing. Allele origin: germline.
Comment: Variant summary: FOXP4 c.300+1G>T is located in a canonical splice-site and is predicted to affect mRNA splicing resulting in a significantly altered protein due to either exon skipping, shortening, or inclusion of intronic material. Variants that disrupt the consensus splice site are a relatively common cause of aberrant splicing, however current evidence is not sufficient to establish loss of function as a mechanism for disease. Several computational tools predict a significant impact on normal splicing: Four predict the variant abolishes a canonical 5' splicing donor site. However, these predictions have yet to be confirmed by functional studies. The variant allele was found at a frequency of 4e-06 in 249326 control chromosomes. The available data on variant occurrences in the general population are insufficient to allow any conclusion about variant significance. To our knowledge, no occurrence of c.300+1G>T in individuals affected with FOXP4-Related Disorders and no experimental evidence demonstrating its impact on protein function have been reported. No submitters have cited clinical-significance assessments for this variant to ClinVar. Based on the evidence outlined above, the variant was classified as uncertain significance.